The following is an entry in ClinVar:

NM_001267550.2(TTN):c.44580G>A (p.Glu14860=)

Gene: TTN (titin; minus strand). Cytogenetic location: 2q31.2.
Variant type: single nucleotide variant.
Coding change: c.44580G>A on transcript NM_001267550.2 (MANE Select); coding-DNA position 44580, G replaced by A.
Protein change: p.Glu14860=; no amino-acid change (glutamic acid 14860 retained).
Molecular consequence: synonymous variant.
Genome position (GRCh38, 1-based): chr2:178,624,700, C>T on the plus strand (G>A on the coding strand, the complement: TTN is on the minus strand). VCF-style: chr2-178624700-C-T. GRCh37 (hg19) VCF-style: chr2-179489427-C-T.
Other names: c.39657G>A, p.Glu13219= (NM_001256850.1); c.17385G>A, p.Glu5795= (NM_003319.4); c.36876G>A, p.Glu12292= (NM_133378.4); c.17760G>A, p.Glu5920= (NM_133432.3); c.17961G>A, p.Glu5987= (NM_133437.4).
Identifiers: ClinVar variation 3239407 (VCV003239407.19), dbSNP rs1060500475.

ClinVar aggregate classification (germline): Likely benign (1 of 4 stars; one submission).

Allele frequency attached by ClinVar (database versions not stated): gnomAD exomes below 0.00001.
gnomAD v4.1: 1 of 1,612,326 alleles (0.000062%); highest among the groups gnomAD compares: East Asian, 0.0022%; no homozygotes.

Submission:

CeGaT Center for Human Genetics Tuebingen
Classification: Likely benign. Last evaluated: 2024-04-01. Review status: criteria provided, single submitter. Criteria: CeGaT Center For Human Genetics Tuebingen Variant Classification Criteria Version 2. Collection method: clinical testing. Allele origin: germline. Affected: yes. Observed: 1 variant allele.
Comment: TTN: BP4, BP7